The following is an entry in ClinVar:

ClinVar aggregate classification (germline): Likely benign. Review status: criteria provided, multiple submitters, no conflicts (2 of 4 stars). 3 submissions from 3 submitters: Likely benign (3). Last evaluated 2024-01-10.

Conditions:
Fanconi anemia complementation group J. Also called: BRIP1-Related Fanconi Anemia. Identifiers: Orphanet 84, MedGen C1836860, MONDO:0012187, OMIM 609054.
Familial cancer of breast. Also called: BREAST CANCER, FAMILIAL; hereditary breast carcinoma; Hereditary breast cancer. Identifiers: Orphanet 227535, MedGen C0346153, MONDO:0016419, OMIM 114480. Disease mechanism: loss of function.
Hereditary cancer-predisposing syndrome. Also called: Neoplastic Syndromes, Hereditary; Hereditary neoplastic syndrome; Tumor predisposition; Hereditary Cancer Syndrome. Identifiers: Orphanet 140162, MedGen C0027672, MeSH D009386, MONDO:0015356.

Submissions (3):

Labcorp Genetics (formerly Invitae), Labcorp
Classification: Likely benign for Familial cancer of breast; Fanconi anemia complementation group J. Last evaluated: 2024-01-10. Review status: criteria provided, single submitter. Criteria: Invitae Variant Classification Sherloc (09022015). Collection method: clinical testing. Allele origin: germline.

Ambry Genetics
Classification: Likely benign for Hereditary cancer-predisposing syndrome. Last evaluated: 2021-05-16. Review status: criteria provided, single submitter. Criteria: Ambry Variant Classification Scheme 2023. Collection method: clinical testing. Allele origin: germline.

GeneDx
Classification: Likely benign. Last evaluated: 2018-04-25. Review status: criteria provided, single submitter. Criteria: GeneDx Variant Classification (06012015). Collection method: clinical testing. Allele origin: germline. Affected: yes.
Comment: This variant is considered likely benign or benign based on one or more of the following criteria: it is a conservative change, it occurs at a poorly conserved position in the protein, it is predicted to be benign by multiple in silico algorithms, and/or has population frequency not consistent with disease.

NM_032043.3(BRIP1):c.3087T>C (p.Ser1029=)

Gene: BRIP1 (BRCA1 interacting DNA helicase 1; minus strand). Cytogenetic location: 17q23.2.
Variant type: single nucleotide variant.
Coding change: c.3087T>C on transcript NM_032043.3 (MANE Select); coding-DNA position 3087, T replaced by C.
Protein change: p.Ser1029=; no amino-acid change (serine 1029 retained).
Molecular consequence: synonymous variant.
Genome position (GRCh38, 1-based): chr17:61,683,959, A>G on the plus strand (T>C on the coding strand, the complement: BRIP1 is on the minus strand). VCF-style: chr17-61683959-A-G. GRCh37 (hg19) VCF-style: chr17-59761320-A-G.
Identifiers: ClinVar variation 530381 (VCV000530381.13), dbSNP rs1555572848, ClinGen allele CA501335453.